The following is an entry in ClinVar:

ClinVar aggregate classification (germline): Conflicting classifications of pathogenicity. Review status: criteria provided, conflicting classifications (1 of 4 stars). 10 submissions from 8 submitters: Uncertain significance (9); Benign (1). Last evaluated 2026-02-01.

Conditions:
SPTA1-related disorder. Also called: SPTA1-related disorders; SPTA1-related condition.
Hereditary spherocytosis type 3. Also called: Spherocytosis type 3; SPTA1-Related Spherocytosis. Identifiers: Orphanet 822, MedGen C2678338, MONDO:0010053, OMIM 270970.
Elliptocytosis 2 (EL2). Also called: ELLIPTOCYTOSIS, RHESUS-UNLINKED TYPE. Identifiers: Orphanet 288, MedGen C1851741, MONDO:0007533, OMIM 130600.
Pyropoikilocytosis, hereditary. Also called: Pyropoikilocytosis. Identifiers: MedGen C0520739, MONDO:0009948, OMIM 266140, HP:0004839. Disease mechanism: loss of function.

Allele frequency attached by ClinVar (database versions not stated): TOPMed 0.00014; gnomAD 0.00016; gnomAD exomes 0.00020; ExAC 0.00022.
gnomAD v4.1: 183 of 1,613,690 alleles (0.011%); highest among the groups gnomAD compares: Middle Eastern, 0.066%; no homozygotes.

Submissions (10):

Labcorp Genetics (formerly Invitae), Labcorp
Classification: Benign. Last evaluated: 2026-02-01. Review status: criteria provided, single submitter. Criteria: Invitae Variant Classification Sherloc (09022015). Collection method: clinical testing. Allele origin: germline.

CeGaT Center for Human Genetics Tuebingen
Classification: Uncertain significance. Last evaluated: 2026-01-01. Review status: criteria provided, single submitter. Criteria: CeGaT Center For Human Genetics Tuebingen Variant Classification Criteria Version 2. Collection method: clinical testing. Allele origin: germline. Affected: yes. Observed: 2 variant alleles.
Comment: SPTA1: PM3, PM2:Supporting, PP4, PS3:Supporting, BP4

PreventionGenetics, part of Exact Sciences
Classification: Uncertain significance for SPTA1-related condition. Last evaluated: 2025-07-14. Review status: criteria provided, single submitter. Criteria: ACMG Guidelines, 2015. Collection method: clinical testing. Allele origin: germline.
Comment: The SPTA1 c.452G>A variant is predicted to result in the amino acid substitution p.Gly151Asp. This variant, also referred to as alpha Ponte de Sor, was identified in an asymptomatic family with elliptocytosis (Boulanger et al 1994. PubMed ID: 8081008). This variant is reported in 0.31% of alleles in individuals of Ashkenazi Jewish descent in gnomAD. At this time, the clinical significance of this variant is uncertain due to the absence of conclusive functional and genetic evidence.

Blueprint Genetics
Classification: Uncertain significance. Last evaluated: 2024-10-16. Review status: criteria provided, single submitter. Criteria: ACMG Guidelines, 2015. Collection method: clinical testing. Allele origin: germline.

Revvity Omics, Revvity
Classification: Uncertain significance. Last evaluated: 2022-05-06. Review status: criteria provided, single submitter. Criteria: ACMG Guidelines, 2015. Collection method: clinical testing. Allele origin: germline.

Mayo Clinic Laboratories, Mayo Clinic
Classification: Uncertain significance. Last evaluated: 2022-05-02. Review status: criteria provided, single submitter. Criteria: ACMG Guidelines, 2015. Collection method: clinical testing. Allele origin: germline. Observed: 1 variant allele.

ARUP Laboratories, Molecular Genetics and Genomics, ARUP Laboratories
Classification: Uncertain significance. Last evaluated: 2018-04-20. Review status: criteria provided, single submitter. Criteria: ARUP Molecular Germline Variant Investigation Process. Collection method: clinical testing. Allele origin: germline.

Illumina Laboratory Services, Illumina
Classification: Uncertain significance for Elliptocytosis 2. Last evaluated: 2017-04-28. Review status: criteria provided, single submitter. Criteria: ICSL Variant Classification Criteria 13 December 2019. Collection method: clinical testing. Allele origin: germline.
Comment: This variant was observed as part of a predisposition screen in an ostensibly healthy population. A literature search was performed for the gene, cDNA change, and amino acid change (where applicable). Publications were found based on this search. However, the evidence from the literature, in combination with allele frequency data from public databases where available, was not sufficient to rule this variant in or out of causing disease. Therefore, this variant is classified as a variant of unknown significance.

Illumina Laboratory Services, Illumina
Classification: Uncertain significance for Hereditary spherocytosis type 3. Last evaluated: 2017-04-28. Review status: criteria provided, single submitter. Criteria: ICSL Variant Classification Criteria 13 December 2019. Collection method: clinical testing. Allele origin: germline.

Illumina Laboratory Services, Illumina
Classification: Uncertain significance for Pyropoikilocytosis, hereditary. Last evaluated: 2017-04-28. Review status: criteria provided, single submitter. Criteria: ICSL Variant Classification Criteria 13 December 2019. Collection method: clinical testing. Allele origin: germline.

Literature cited by the submitters: PubMed 8081008 (cited by Illumina Laboratory Services, Illumina); PubMed 23241237 (cited by Illumina Laboratory Services, Illumina).

NM_003126.4(SPTA1):c.452G>A (p.Gly151Asp)

Gene: SPTA1 (spectrin alpha, erythrocytic 1; minus strand). Cytogenetic location: 1q23.1.
Variant type: single nucleotide variant.
Coding change: c.452G>A on transcript NM_003126.4 (MANE Select); coding-DNA position 452, G replaced by A.
Protein change: p.Gly151Asp; replaces glycine 151 with aspartic acid.
Molecular consequence: missense variant.
Genome position (GRCh38, 1-based): chr1:158,681,606, C>T on the plus strand (G>A on the coding strand, the complement: SPTA1 is on the minus strand). VCF-style: chr1-158681606-C-T. GRCh37 (hg19) VCF-style: chr1-158651396-C-T.
Other names: short protein forms G151D.
Identifiers: ClinVar variation 618389 (VCV000618389.47), dbSNP rs199725919, ClinGen allele CA1184135.